The following is an entry in ClinVar:

ClinVar aggregate classification (germline): Uncertain significance (1 of 4 stars; one submission).

Allele frequency attached by ClinVar (database versions not stated): ExAC 0.00510.

Submission:

Labcorp Genetics (formerly Invitae), Labcorp
Classification: Uncertain significance. Last evaluated: 2023-07-12. Review status: criteria provided, single submitter. Criteria: Invitae Variant Classification Sherloc (09022015). Collection method: clinical testing. Allele origin: germline.
Comment: In summary, the available evidence is currently insufficient to determine the role of this variant in disease. Therefore, it has been classified as a Variant of Uncertain Significance. Advanced modeling of protein sequence and biophysical properties (such as structural, functional, and spatial information, amino acid conservation, physicochemical variation, residue mobility, and thermodynamic stability) performed at Invitae indicates that this missense variant is expected to disrupt HERC2 protein function. This variant has not been reported in the literature in individuals affected with HERC2-related conditions. The frequency data for this variant in the population databases is considered unreliable, as metrics indicate poor data quality at this position in the gnomAD database. This sequence change replaces methionine, which is neutral and non-polar, with valine, which is neutral and non-polar, at codon 930 of the HERC2 protein (p.Met930Val).

NM_004667.6(HERC2):c.2788A>G (p.Met930Val)

Gene: HERC2 (HECT and RLD domain containing E3 ubiquitin protein ligase 2; minus strand). Cytogenetic location: 15q13.1.
Variant type: single nucleotide variant.
Coding change: c.2788A>G on transcript NM_004667.6 (MANE Select); coding-DNA position 2788, A replaced by G.
Protein change: p.Met930Val; replaces methionine 930 with valine.
Molecular consequence: missense variant.
Genome position (GRCh38, 1-based): chr15:28,255,955, T>C on the plus strand (A>G on the coding strand, the complement: HERC2 is on the minus strand). VCF-style: chr15-28255955-T-C. GRCh37 (hg19) VCF-style: chr15-28501101-T-C.
Other names: short protein forms M930V.
Identifiers: ClinVar variation 2848777 (VCV002848777.3), dbSNP rs201559931, ClinGen allele CA7443081.
Genomic context (GRCh38, chr15:28,255,955, plus strand): 5'-CGTGTAAGGCTGACTCCAACCCTCCATCAGCCATCAAGCTGCCCACCAGAAGATCAATCA[T>C]GAATCGACGACCTGGACTTATGTTCACTTCATTGCCTGAAACTGAAATAGAAAGTGTGTG-3'
Protein context (NP_004658.3, residues 920-940): EVNISPGRRF[Met930Val]IDLLVGSLMA